The following is an entry in ClinVar:

ClinVar aggregate classification (germline): Uncertain significance (1 of 4 stars; one submission).

Allele frequency attached by ClinVar (database versions not stated): gnomAD exomes below 0.00001; TOPMed below 0.00001.

Submission:

Labcorp Genetics (formerly Invitae), Labcorp
Classification: Uncertain significance. Last evaluated: 2022-04-16. Review status: criteria provided, single submitter. Criteria: Invitae Variant Classification Sherloc (09022015). Collection method: clinical testing. Allele origin: germline.
Comment: In summary, the available evidence is currently insufficient to determine the role of this variant in disease. Therefore, it has been classified as a Variant of Uncertain Significance. Algorithms developed to predict the effect of missense changes on protein structure and function are either unavailable or do not agree on the potential impact of this missense change (SIFT: "Tolerated"; PolyPhen-2: "Not Available"; Align-GVGD: "Class C0"). This variant has not been reported in the literature in individuals affected with HMX1-related conditions. This variant is not present in population databases (gnomAD no frequency). This sequence change replaces alanine, which is neutral and non-polar, with threonine, which is neutral and polar, at codon 81 of the HMX1 protein (p.Ala81Thr).

NM_018942.3(HMX1):c.241G>A (p.Ala81Thr)

Gene: HMX1 (H6 family homeobox 1; minus strand). Cytogenetic location: 4p16.1.
Variant type: single nucleotide variant.
Coding change: c.241G>A on transcript NM_018942.3 (MANE Select); coding-DNA position 241, G replaced by A.
Protein change: p.Ala81Thr; replaces alanine 81 with threonine.
Molecular consequence: missense variant.
Genome position (GRCh38, 1-based): chr4:8,871,374, C>T on the plus strand (G>A on the coding strand, the complement: HMX1 is on the minus strand). VCF-style: chr4-8871374-C-T. GRCh37 (hg19) VCF-style: chr4-8873100-C-T.
Other names: c.241G>A, p.Ala81Thr (NM_001306142.2); short protein forms A81T.
Identifiers: ClinVar variation 2169889 (VCV002169889.4), dbSNP rs1722213694, ClinGen allele CA356279044.
Genomic context (GRCh38, chr4:8,871,374, plus strand): 5'-CGGGGGGCGGCCGAGGACCGAGGCCCAGCGCGCCCGGCCCGAGCAGCGCACGGGCCCGCG[C>T]CTCCCCGCCGGGCCCGGTGCCCGCGAGCAACTGTCGCCGCCGCTGTAGCCGTCGCCGCCG-3'
Protein context (NP_061815.2, residues 71-91): LLAGTGPGGE[Ala81Thr]RARALLGPGA